The following is an entry in ClinVar:

NM_005422.4(TECTA):c.3650T>A (p.Val1217Asp)

Genes: TBCEL-TECTA (TBCEL-TECTA readthrough; plus strand), TECTA (tectorin alpha; plus strand). Cytogenetic location: 11q23.3.
Variant type: single nucleotide variant.
Coding change: c.3650T>A on transcript NM_005422.4 (MANE Select); coding-DNA position 3650, T replaced by A.
Protein change: p.Val1217Asp; replaces valine 1217 with aspartic acid.
Molecular consequence: missense variant.
Genome position (GRCh38, 1-based): chr11:121,145,661, T>A. VCF-style: chr11-121145661-T-A. GRCh37 (hg19) VCF-style: chr11-121016370-T-A.
Other names: c.4607T>A, p.Val1536Asp (NM_001378761.1); short protein forms V1217D, V1536D.
Identifiers: ClinVar variation 1315380 (VCV001315380.2), dbSNP rs769087586, ClinGen allele CA6327263.

ClinVar aggregate classification (germline): Uncertain significance (1 of 4 stars; one submission).

Allele frequency attached by ClinVar (database versions not stated): gnomAD exomes below 0.00001; TOPMed below 0.00001; ExAC 0.00001; gnomAD 0.00001.
gnomAD v4.1: 3 of 1,614,092 alleles (0.00019%); highest among the groups gnomAD compares: Non-Finnish European, 0.00025%; no homozygotes.

Submission:

GeneDx
Classification: Uncertain significance. Last evaluated: 2020-02-07. Review status: criteria provided, single submitter. Criteria: GeneDx Variant Classification Process June 2021. Collection method: clinical testing. Allele origin: germline. Affected: yes.
Comment: Not observed at a significant frequency in large population cohorts (Lek et al., 2016); In silico analysis supports that this missense variant has a deleterious effect on protein structure/function; Has not been previously published as pathogenic or benign to our knowledge